The following is an entry in ClinVar:

ClinVar aggregate classification (germline): Uncertain significance (1 of 4 stars; one submission).

Allele frequency attached by ClinVar (database versions not stated): gnomAD 0.00002; TOPMed 0.00002.
gnomAD v4.1: 30 of 1,465,922 alleles (0.002%); highest among the groups gnomAD compares: Non-Finnish European, 0.0027%; no homozygotes.

Submission:

Labcorp Genetics (formerly Invitae), Labcorp
Classification: Uncertain significance. Last evaluated: 2024-09-18. Review status: criteria provided, single submitter. Criteria: Invitae Variant Classification Sherloc (09022015). Collection method: clinical testing. Allele origin: germline.
Comment: This sequence change falls in intron 7 of the SPPL2A gene. It does not directly change the encoded amino acid sequence of the SPPL2A protein. It affects a nucleotide within the consensus splice site. This variant is present in population databases (rs775021087, gnomAD 0.0009%). This variant has not been reported in the literature in individuals affected with SPPL2A-related conditions. ClinVar contains an entry for this variant (Variation ID: 1431842). Variants that disrupt the consensus splice site are a relatively common cause of aberrant splicing (PMID: 17576681, 9536098). Algorithms developed to predict the effect of sequence changes on RNA splicing suggest that this variant may disrupt the consensus splice site. In summary, the available evidence is currently insufficient to determine the role of this variant in disease. Therefore, it has been classified as a Variant of Uncertain Significance.

Literature cited by the submitters: PubMed 17576681; PubMed 9536098.

NM_032802.4(SPPL2A):c.830+5G>T

Gene: SPPL2A (signal peptide peptidase like 2A; minus strand). Cytogenetic location: 15q21.2.
Variant type: single nucleotide variant.
Coding change: c.830+5G>T on transcript NM_032802.4 (MANE Select); 5 bases into the intron after coding-DNA position 830, G replaced by T.
Molecular consequence: intron variant.
Genome position (GRCh38, 1-based): chr15:50,736,639, C>A on the plus strand (G>T on the coding strand, the complement: SPPL2A is on the minus strand). VCF-style: chr15-50736639-C-A. GRCh37 (hg19) VCF-style: chr15-51028836-C-A.
Identifiers: ClinVar variation 1431842 (VCV001431842.6), dbSNP rs775021087, ClinGen allele CA7558406.